The following is an entry in ClinVar:

ClinVar aggregate classification (germline): Likely benign. Review status: criteria provided, single submitter (1 of 4 stars). 2 submissions from 2 submitters: Likely benign (1). 1 of the submissions does not count toward it. Last evaluated 2023-08-10.

Conditions:
ADAMTS18-related disorder. Also called: ADAMTS18-related condition.

gnomAD v4.1: 26 of 1,614,066 alleles (0.0016%); highest among the groups gnomAD compares: Admixed American, 0.0033%; no homozygotes.

Submissions (2):

Labcorp Genetics (formerly Invitae), Labcorp
Classification: Likely benign. Last evaluated: 2023-08-10. Review status: criteria provided, single submitter. Criteria: Invitae Variant Classification Sherloc (09022015). Collection method: clinical testing. Allele origin: germline.

PreventionGenetics, part of Exact Sciences
Classification: Likely benign for ADAMTS18-related condition. Last evaluated: 2019-07-26. Review status: no assertion criteria provided. Collection method: clinical testing. Allele origin: germline. Not counted in ClinVar's aggregate classification.
Comment: This variant is classified as likely benign based on ACMG/AMP sequence variant interpretation guidelines (Richards et al. 2015 PMID: 25741868, with internal and published modifications).

NM_199355.4(ADAMTS18):c.2409C>A (p.Gly803=)

Gene: ADAMTS18 (ADAM metallopeptidase with thrombospondin type 1 motif 18; minus strand). Cytogenetic location: 16q23.1.
Variant type: single nucleotide variant.
Coding change: c.2409C>A on transcript NM_199355.4 (MANE Select); coding-DNA position 2409, C replaced by A.
Protein change: p.Gly803=; no amino-acid change (glycine 803 retained).
Molecular consequence: synonymous variant.
Genome position (GRCh38, 1-based): chr16:77,319,972, G>T on the plus strand (C>A on the coding strand, the complement: ADAMTS18 is on the minus strand). VCF-style: chr16-77319972-G-T. GRCh37 (hg19) VCF-style: chr16-77353869-G-T.
Other names: c.2409C>A (NM_199355.3); c.1893C>A, p.Gly631= (NM_001326358.2).
Identifiers: ClinVar variation 1123730 (VCV001123730.11), dbSNP rs772793929, ClinGen allele CA8180916.